The following is an entry in ClinVar:

NM_032607.3(CREB3L3):c.577-2A>G

Gene: CREB3L3 (cAMP responsive element binding protein 3 like 3; plus strand). Cytogenetic location: 19p13.3.
Variant type: single nucleotide variant.
Coding change: c.577-2A>G on transcript NM_032607.3 (MANE Select); the canonical splice acceptor site of the intron before coding-DNA position 577, A replaced by G.
Molecular consequence: splice acceptor variant. On other transcripts: intron variant (1).
Genome position (GRCh38, 1-based): chr19:4,164,501, A>G. VCF-style: chr19-4164501-A-G. GRCh37 (hg19) VCF-style: chr19-4164498-A-G.
Other names: c.577-2A>G (NM_001271997.2); c.577-8A>G (NM_001271996.2); c.574-2A>G (NM_001271995.2).
Identifiers: ClinVar variation 1930683 (VCV001930683.5), dbSNP rs200078501, ClinGen allele CA9091391.

ClinVar aggregate classification (germline): Likely pathogenic (1 of 4 stars; one submission).

Allele frequency attached by ClinVar (database versions not stated): gnomAD exomes 0.00001; ExAC 0.00003.
gnomAD v4.1: 5 of 1,613,894 alleles (0.00031%); highest among the groups gnomAD compares: Non-Finnish European, 0.00025%; no homozygotes.

Submission:

Labcorp Genetics (formerly Invitae), Labcorp
Classification: Likely pathogenic. Last evaluated: 2023-10-13. Review status: criteria provided, single submitter. Criteria: Invitae Variant Classification Sherloc (09022015). Collection method: clinical testing. Allele origin: germline.
Comment: This sequence change affects an acceptor splice site in intron 4 of the CREB3L3 gene. It is expected to disrupt RNA splicing. Variants that disrupt the donor or acceptor splice site typically lead to a loss of protein function (PMID: 16199547), and loss-of-function variants in CREB3L3 are known to be pathogenic (PMID: 21666694, 26427795). This variant is present in population databases (rs200078501, gnomAD 0.004%). This variant has not been reported in the literature in individuals affected with CREB3L3-related conditions. ClinVar contains an entry for this variant (Variation ID: 1930683). Algorithms developed to predict the effect of sequence changes on RNA splicing suggest that this variant may disrupt the consensus splice site. In summary, the currently available evidence indicates that the variant is pathogenic, but additional data are needed to prove that conclusively. Therefore, this variant has been classified as Likely Pathogenic.

Literature cited by the submitters: PubMed 16199547; PubMed 21666694; PubMed 26427795.